The following is an entry in ClinVar:

NM_001458.5(FLNC):c.3614A>C (p.His1205Pro)

Gene: FLNC (filamin C; plus strand). Cytogenetic location: 7q32.1.
Variant type: single nucleotide variant.
Coding change: c.3614A>C on transcript NM_001458.5 (MANE Select); coding-DNA position 3614, A replaced by C.
Protein change: p.His1205Pro; replaces histidine 1205 with proline.
Molecular consequence: missense variant.
Genome position (GRCh38, 1-based): chr7:128,845,079, A>C. VCF-style: chr7-128845079-A-C. GRCh37 (hg19) VCF-style: chr7-128485133-A-C.
Other names: c.3614A>C, p.His1205Pro (NM_001127487.2); short protein forms H1205P.
Identifiers: ClinVar variation 3901734 (VCV003901734.1).

ClinVar aggregate classification (germline): Uncertain significance (1 of 4 stars; one submission).

Submission:

GeneDx
Classification: Uncertain significance. Last evaluated: 2024-12-02. Review status: criteria provided, single submitter. Criteria: GeneDx Variant Classification Process June 2021. Collection method: clinical testing. Allele origin: germline. Affected: yes.
Comment: Not observed at significant frequency in large population cohorts (gnomAD); In silico analysis indicates that this missense variant does not alter protein structure/function; Has not been previously published as pathogenic or benign to our knowledge